The following is an entry in ClinVar:

NM_001034853.2(RPGR):c.2800G>T (p.Glu934Ter)

Gene: RPGR (retinitis pigmentosa GTPase regulator; minus strand). Cytogenetic location: Xp11.4.
Variant type: single nucleotide variant.
Coding change: c.2800G>T on transcript NM_001034853.2 (MANE Select); coding-DNA position 2800, G replaced by T.
Protein change: p.Glu934Ter; replaces glutamic acid 934 with a stop codon.
Molecular consequence: nonsense. On other transcripts: intron variant (8).
Genome position (GRCh38, 1-based): chrX:38,286,199, C>A on the plus strand (G>T on the coding strand, the complement: RPGR is on the minus strand). VCF-style: chrX-38286199-C-A. GRCh37 (hg19) VCF-style: chrX-38145452-C-A.
Other names: NM_001034853.2:c.2800G>T; c.1602+4760G>T (NM_001367248.1); c.1569+4760G>T (NM_001367249.1, NM_001367250.1); c.1902+895G>T (NM_001367245.1); c.1386+4760G>T (NM_001367251.1); c.1719+895G>T (NM_001367246.1); c.1572+4760G>T (NM_001367247.1); c.1905+895G>T (NM_000328.3); short protein forms E934*.
Identifiers: ClinVar variation 4082172 (VCV004082172.1).
Genomic context (GRCh38, chrX:38,286,199, plus strand): 5'-CTCCTTCCTCCTCTTCCCCCTCCCCTTCTCCATCCTCCCCTTCCCCTTCTCCTTCCTCCT[C>A]TTCCCCCTCCCCTTCTCCTTCCTCTCCTTCCTCCTCCCCTTTCCCTTCTCCTTCCTCCTC-3'

ClinVar aggregate classification (germline): Pathogenic (3 of 4 stars; one submission).

Conditions:
RPGR-related retinopathy. Also called: RPGR retinopathy. Identifiers: MedGen CN305589, MONDO:0100437.

Submission:

ClinGen X-linked Inherited Retinal Disease Variant Curation Expert Panel, ClinGen
Classification: Pathogenic for RPGR-related retinopathy. Last evaluated: 2025-09-05. Review status: reviewed by expert panel. Criteria: ClinGen X LinkedIRD ACMG Specifications RPGR V1.0.0. Collection method: curation. Allele origin: germline. Inheritance: X-linked inheritance.
Comment: NM_001034853.2(RPGR):c.2800G>T (p.Glu934Ter) is a nonsense variant introducing a premature stop in codon 934 within exon 15 of 15 that is predicted to disrupt a critical C-terminal region required for proper glutamylation of RPGR (PVS1, PMID: 36445968). This variant is absent from gnomAD v4.1.0 (PM2_Supporting). At least one proband harboring this variant exhibits a phenotype including presentation with night blindness (0.5 pts) with onset at age 3 years (1 pt), reduced visual acuity (0.5 pts), diminished electroretinogram responses from rods, fundus appearance showing widespread retinal pigment epithelium degeneration with pigment deposits (0.5 pts), optic disc pallor (0.5 pts), cataract, severe macular degeneration, artery attenuation, and genotyping by next-generation sequencing with a 483-gene panel showing no alternative basis for inherited retinal disease (2 pts), which together are specific for RPGR-related retinopathy (5 points, PMID: 36276946, PP4). In summary, this variant is classified as pathogenic for RPGR-related retinopathy based on the ClinGen X-linked Inherited Retinal Disease Expert Panel Specifications to the ACMG/AMP Variant Interpretation Guidelines for RPGR Version 1.0.0; PVS1, PM2_supporting, and PP4.